The following is an entry in ClinVar:

ClinVar aggregate classification (germline): Benign (1 of 4 stars; one submission).

Allele frequency attached by ClinVar (database versions not stated): gnomAD 0.01818 and 0.01929; TOPMed 0.02073; 1000 Genomes Project 0.02097; 1000 Genomes Project 30x 0.02217.
gnomAD v4.1: 2,728 of 151,654 alleles (1.8%); highest among the groups gnomAD compares: African/African-American, 6.1%; 87 homozygotes.

Submission:

GeneDx
Classification: Benign. Last evaluated: 2018-06-19. Review status: criteria provided, single submitter. Criteria: GeneDx Variant Classification (06012015). Collection method: clinical testing. Allele origin: germline. Affected: yes.
Comment: This variant is considered likely benign or benign based on one or more of the following criteria: it is a conservative change, it occurs at a poorly conserved position in the protein, it is predicted to be benign by multiple in silico algorithms, and/or has population frequency not consistent with disease.

NM_000722.4(CACNA2D1):c.780-218G>A

Gene: CACNA2D1 (calcium voltage-gated channel auxiliary subunit alpha2delta 1; minus strand). Cytogenetic location: 7q21.11.
Variant type: single nucleotide variant.
Coding change: c.780-218G>A on transcript NM_000722.4 (MANE Select); 218 bases into the intron before coding-DNA position 780, G replaced by A.
Molecular consequence: intron variant.
Genome position (GRCh38, 1-based): chr7:82,060,745, C>T on the plus strand (G>A on the coding strand, the complement: CACNA2D1 is on the minus strand). VCF-style: chr7-82060745-C-T. GRCh37 (hg19) VCF-style: chr7-81690061-C-T.
Other names: c.780-218G>A (NM_001366867.1, NM_001302890.2).
Identifiers: ClinVar variation 679503 (VCV000679503.1), dbSNP rs11974188, ClinGen allele CA161605477.